The following is an entry in ClinVar:

NM_003108.4(SOX11):c.299G>C (p.Arg100Pro)

Gene: SOX11 (SRY-box transcription factor 11; plus strand). Cytogenetic location: 2p25.2.
Variant type: single nucleotide variant.
Coding change: c.299G>C on transcript NM_003108.4 (MANE Select); coding-DNA position 299, G replaced by C.
Protein change: p.Arg100Pro; replaces arginine 100 with proline.
Molecular consequence: missense variant.
Genome position (GRCh38, 1-based): chr2:5,693,020, G>C. VCF-style: chr2-5693020-G-C. GRCh37 (hg19) VCF-style: chr2-5833152-G-C.
Other names: short protein forms R100P.
Identifiers: ClinVar variation 420675 (VCV000420675.7), dbSNP rs1064794628, ClinGen allele CA16617744.

ClinVar aggregate classification (germline): Pathogenic/Likely pathogenic. Review status: criteria provided, multiple submitters, no conflicts (2 of 4 stars). 5 submissions from 5 submitters: Pathogenic (1); Likely pathogenic (3). 1 of the submissions does not count toward it. Last evaluated 2026-08-06.

Conditions:
Inborn genetic diseases. Identifiers: MedGen C0950123, MeSH D030342.
Intellectual developmental disorder with microcephaly and with or without ocular malformations or hypogonadotropic hypogonadism. Also called: Intellectual disability, autosomal dominant 27; Coffin-Siris Syndrome 9. Identifiers: Orphanet 1465, MedGen C4014528, MONDO:0014376, OMIM 615866.

Submissions (5):

Ambry Genetics
Classification: Likely pathogenic for Inborn genetic diseases. Last evaluated: 2026-08-06. Review status: criteria provided, single submitter. Criteria: Ambry Variant Classification Scheme 2023. Collection method: clinical testing. Allele origin: germline.
Comment: The c.299G>C (p.R100P) alteration is located in exon 1 (coding exon 1) of the SOX11 gene. This alteration results from a G to C substitution at nucleotide position 299, causing the arginine (R) at amino acid position 100 to be replaced by a proline (P). This variant was not reported in population-based cohorts in the Genome Aggregation Database (gnomAD). This variant was determined to be de novo in at least one individual with features consistent with SOX11-related neurodevelopmental disorder (Alburaiky, 2022). This amino acid position is highly conserved in available vertebrate species. This missense variant is located in a region that has a low rate of benign missense variation (Lek, 2016; Firth, 2009). This alteration is predicted to be deleterious by in silico analysis. Based on the available evidence, this alteration is classified as likely pathogenic.

SIB Swiss Institute of Bioinformatics
Classification: Likely pathogenic for Intellectual developmental disorder with microcephaly and with or without ocular malformations or hypogonadotropic hypogonadism. Last evaluated: 2023-03-09. Review status: criteria provided, single submitter. Criteria: ACMG Guidelines, 2015. Collection method: curation. Allele origin: unknown.
Comment: This variant is interpreted as likely pathogenic for Intellectual developmental disorder with microcephaly and with or without ocular malformations or hypogonadotropic hypogonadism, autosomal dominant. The following ACMG Tag(s) were applied: Absent from controls (or at extremely low frequency if recessive) in Exome Sequencing Project, 1000 Genomes Project, or Exome Aggregation Consortium (PM2); De novo paternity and maternity not confirmed (PM6); Located in a mutational hot spot and/or critical and well-established functional domain (e.g., active site of an enzyme) without benign variation (PM1); Multiple lines of computational evidence support a deleterious effect on the gene or gene product (PP3).

GeneDx
Classification: Pathogenic. Last evaluated: 2023-01-19. Review status: criteria provided, single submitter. Criteria: GeneDx Variant Classification Process June 2021. Collection method: clinical testing. Allele origin: germline. Affected: yes.
Comment: In silico analysis supports that this missense variant has a deleterious effect on protein structure/function; Not observed at significant frequency in large population cohorts (gnomAD); This variant is associated with the following publications: (PMID: 35642566)

Clinical Genetics Laboratory, Skane University Hospital Lund
Classification: Likely pathogenic. Last evaluated: 2022-05-27. Review status: criteria provided, single submitter. Criteria: ACMG Guidelines, 2015. Collection method: clinical testing. Allele origin: germline. Affected: yes.

OMIM
Classification: Pathogenic for INTELLECTUAL DEVELOPMENTAL DISORDER WITH MICROCEPHALY AND OCULAR MALFORMATIONS. Last evaluated: 2023-03-14. Review status: no assertion criteria provided. Collection method: literature only. Allele origin: germline. Not counted in ClinVar's aggregate classification.

Literature cited by the submitters: PubMed 35642566 (cited by 3 submitters).